The following is an entry in ClinVar:

ClinVar aggregate classification (germline): Uncertain significance (1 of 4 stars; one submission).

Conditions:
Ehlers-Danlos syndrome, classic type, 1 (EDSCL1). Also called: EHLERS-DANLOS SYNDROME, GRAVIS TYPE; EHLERS-DANLOS SYNDROME, SEVERE CLASSIC TYPE; Ehlers-Danlos syndrome, type 1; Ehlers-Danlos Syndrome, Classic Type, COL5A1-Related; EDS I. Identifiers: MedGen C0268335, MONDO:0019567, OMIM 130000.

Submission:

Labcorp Genetics (formerly Invitae), Labcorp
Classification: Uncertain significance for Ehlers-Danlos syndrome, classic type, 1. Last evaluated: 2023-03-16. Review status: criteria provided, single submitter. Criteria: Invitae Variant Classification Sherloc (09022015). Collection method: clinical testing. Allele origin: germline.
Comment: In summary, the available evidence is currently insufficient to determine the role of this variant in disease. Therefore, it has been classified as a Variant of Uncertain Significance. Advanced modeling of protein sequence and biophysical properties (such as structural, functional, and spatial information, amino acid conservation, physicochemical variation, residue mobility, and thermodynamic stability) performed at Invitae indicates that this missense variant is not expected to disrupt COL5A2 protein function. This variant has not been reported in the literature in individuals affected with COL5A2-related conditions. This variant is not present in population databases (gnomAD no frequency). This sequence change replaces glutamic acid, which is acidic and polar, with aspartic acid, which is acidic and polar, at codon 1492 of the COL5A2 protein (p.Glu1492Asp).

NM_000393.5(COL5A2):c.4476A>C (p.Glu1492Asp)

Gene: COL5A2 (collagen type V alpha 2 chain; minus strand). Cytogenetic location: 2q32.2.
Variant type: single nucleotide variant.
Coding change: c.4476A>C on transcript NM_000393.5 (MANE Select); coding-DNA position 4476, A replaced by C.
Protein change: p.Glu1492Asp; replaces glutamic acid 1492 with aspartic acid.
Molecular consequence: missense variant.
Genome position (GRCh38, 1-based): chr2:189,034,094, T>G on the plus strand (A>C on the coding strand, the complement: COL5A2 is on the minus strand). VCF-style: chr2-189034094-T-G. GRCh37 (hg19) VCF-style: chr2-189898820-T-G.
Other names: short protein forms E1492D.
Identifiers: ClinVar variation 2846271 (VCV002846271.3), dbSNP rs2469206813, ClinGen allele CA349854185.